The following is an entry in ClinVar:

NM_001384474.1(LOXHD1):c.3282C>T (p.Asp1094=)

Gene: LOXHD1 (lipoxygenase homology PLAT domains 1; minus strand). Cytogenetic location: 18q21.1.
Variant type: single nucleotide variant.
Coding change: c.3282C>T on transcript NM_001384474.1 (MANE Select); coding-DNA position 3282, C replaced by T.
Protein change: p.Asp1094=; no amino-acid change (aspartic acid 1094 retained).
Molecular consequence: synonymous variant. On other transcripts: 5 prime UTR variant (1).
Genome position (GRCh38, 1-based): chr18:46,557,424, G>A on the plus strand (C>T on the coding strand, the complement: LOXHD1 is on the minus strand). VCF-style: chr18-46557424-G-A. GRCh37 (hg19) VCF-style: chr18-44137387-G-A.
Other names: c.-52C>T (NM_001145472.3); c.3282C>T, p.Asp1094= (NM_144612.7).
Identifiers: ClinVar variation 506227 (VCV000506227.12), dbSNP rs1431897813, ClinGen allele CA629501035.

ClinVar aggregate classification (germline): Likely benign. Review status: criteria provided, multiple submitters, no conflicts (2 of 4 stars). 2 submissions from 2 submitters: Likely benign (2). Last evaluated 2024-02-20.

Allele frequency attached by ClinVar (database versions not stated): TOPMed 0.00001.
gnomAD v4.1: 8 of 1,552,244 alleles (0.00052%); highest among the groups gnomAD compares: East Asian, 0.012%; no homozygotes.

Submissions (2):

Labcorp Genetics (formerly Invitae), Labcorp
Classification: Likely benign. Last evaluated: 2024-02-20. Review status: criteria provided, single submitter. Criteria: Invitae Variant Classification Sherloc (09022015). Collection method: clinical testing. Allele origin: germline.

Laboratory for Molecular Medicine, Mass General Brigham Personalized Medicine
Classification: Likely benign. Last evaluated: 2017-11-22. Review status: criteria provided, single submitter. Criteria: LMM Criteria. Collection method: clinical testing. Allele origin: germline. Observed: 1 variant allele.
Comment: p.Asp1094Asp in exon 21 of LOXHD1: This variant is not expected to have clinical significance because it does not alter an amino acid residue and is not located within the splice consensus sequence. It has been identified in 3/10246 East A sian chromosomes by the Genome Aggregation Database (gnomAD). ACMG/AMP Criteria applied: BP4; BP7.